The following is an entry in ClinVar:

NM_003954.5(MAP3K14):c.1337G>A (p.Gly446Glu)

Gene: MAP3K14 (mitogen-activated protein kinase kinase kinase 14; minus strand). Cytogenetic location: 17q21.31.
Variant type: single nucleotide variant.
Coding change: c.1337G>A on transcript NM_003954.5 (MANE Select); coding-DNA position 1337, G replaced by A.
Protein change: p.Gly446Glu; replaces glycine 446 with glutamic acid.
Molecular consequence: missense variant.
Genome position (GRCh38, 1-based): chr17:45,274,547, C>T on the plus strand (G>A on the coding strand, the complement: MAP3K14 is on the minus strand). VCF-style: chr17-45274547-C-T. GRCh37 (hg19) VCF-style: chr17-43351914-C-T.
Other names: short protein forms G446E.
Identifiers: ClinVar variation 2142273 (VCV002142273.1), dbSNP rs980534414, ClinGen allele CA291058807.
Genomic context (GRCh38, chr17:45,274,547, plus strand): 5'-TTGACCCAAGGCCCTTCTCTCACAGCTCCATACAAAGGGACAATTCTGGGTGAGGTCAAT[C>T]CTGCACATGCCATCAGCTCCTCTGCCCGAAATACTTCCAGCCGCACCTGCAAGGGCCCAG-3'
Protein context (NP_003945.2, residues 436-456): FRAEELMACA[Gly446Glu]LTSPRIVPLY

ClinVar aggregate classification (germline): Uncertain significance (1 of 4 stars; one submission).

Conditions:
NIK deficiency. Also called: Primary immunodeficiency with multifaceted aberrant lymphoid immunity. Identifiers: Orphanet 447731, MedGen C5680065, MONDO:0018642.

Allele frequency attached by ClinVar (database versions not stated): gnomAD exomes 0.00001; TOPMed 0.00001.
gnomAD v4.1: 6 of 1,613,984 alleles (0.00037%); highest among the groups gnomAD compares: Middle Eastern, 0.017%; no homozygotes.

Submission:

Labcorp Genetics (formerly Invitae), Labcorp
Classification: Uncertain significance for NIK deficiency. Last evaluated: 2022-03-13. Review status: criteria provided, single submitter. Criteria: Invitae Variant Classification Sherloc (09022015). Collection method: clinical testing. Allele origin: germline.
Comment: This sequence change replaces glycine, which is neutral and non-polar, with glutamic acid, which is acidic and polar, at codon 446 of the MAP3K14 protein (p.Gly446Glu). This variant is not present in population databases (gnomAD no frequency). This variant has not been reported in the literature in individuals affected with MAP3K14-related conditions. Experimental studies and prediction algorithms are not available or were not evaluated, and the functional significance of this variant is currently unknown. In summary, the available evidence is currently insufficient to determine the role of this variant in disease. Therefore, it has been classified as a Variant of Uncertain Significance.